The following is an entry in ClinVar:

NM_001734.5(C1S):c.1177A>G (p.Met393Val)

Gene: C1S (complement C1s; plus strand). Cytogenetic location: 12p13.31.
Variant type: single nucleotide variant.
Coding change: c.1177A>G on transcript NM_001734.5 (MANE Select); coding-DNA position 1177, A replaced by G.
Protein change: p.Met393Val; replaces methionine 393 with valine.
Molecular consequence: missense variant.
Genome position (GRCh38, 1-based): chr12:7,067,753, A>G. VCF-style: chr12-7067753-A-G. GRCh37 (hg19) VCF-style: chr12-7175057-A-G.
Other names: c.676A>G, p.Met226Val (NM_001346850.2); c.1177A>G, p.Met393Val (NM_201442.4); short protein forms M393V, M226V.
Identifiers: ClinVar variation 1521283 (VCV001521283.6), dbSNP rs782739530, ClinGen allele CA6423694.

ClinVar aggregate classification (germline): Uncertain significance (1 of 4 stars; one submission).

Allele frequency attached by ClinVar (database versions not stated): gnomAD exomes 0.00001 and 0.00002; ExAC 0.00002; gnomAD 0.00003; TOPMed 0.00005.
gnomAD v4.1: 19 of 1,613,830 alleles (0.0012%); highest among the groups gnomAD compares: Admixed American, 0.0017%; no homozygotes.

Submission:

Labcorp Genetics (formerly Invitae), Labcorp
Classification: Uncertain significance. Last evaluated: 2025-09-29. Review status: criteria provided, single submitter. Criteria: Invitae Variant Classification Sherloc (09022015). Collection method: clinical testing. Allele origin: germline.
Comment: This sequence change replaces methionine, which is neutral and non-polar, with valine, which is neutral and non-polar, at codon 393 of the C1S protein (p.Met393Val). This variant is present in population databases (rs782739530, gnomAD 0.004%). This variant has not been reported in the literature in individuals affected with C1S-related conditions. ClinVar contains an entry for this variant (Variation ID: 1521283). Invitae Evidence Modeling of protein sequence and biophysical properties (such as structural, functional, and spatial information, amino acid conservation, physicochemical variation, residue mobility, and thermodynamic stability) has been performed for this missense variant. However, the output from this modeling did not meet the statistical confidence thresholds required to predict the impact of this variant on C1S protein function. In summary, the available evidence is currently insufficient to determine the role of this variant in disease. Therefore, it has been classified as a Variant of Uncertain Significance.